The following is an entry in ClinVar:

NM_024747.6(HPS6):c.923C>T (p.Pro308Leu)

Gene: HPS6 (HPS6 biogenesis of lysosomal organelles complex 2 subunit 3; plus strand). Cytogenetic location: 10q24.32.
Variant type: single nucleotide variant.
Coding change: c.923C>T on transcript NM_024747.6 (MANE Select); coding-DNA position 923, C replaced by T.
Protein change: p.Pro308Leu; replaces proline 308 with leucine.
Molecular consequence: missense variant.
Genome position (GRCh38, 1-based): chr10:102,066,397, C>T. VCF-style: chr10-102066397-C-T. GRCh37 (hg19) VCF-style: chr10-103826154-C-T.
Other names: short protein forms P308L.
Identifiers: ClinVar variation 1428155 (VCV001428155.4), dbSNP rs1564899421, ClinGen allele CA377860232.

ClinVar aggregate classification (germline): Uncertain significance (1 of 4 stars; one submission).

Allele frequency attached by ClinVar (database versions not stated): gnomAD exomes below 0.00001 and 0.00001; TOPMed below 0.00001.

Submission:

Labcorp Genetics (formerly Invitae), Labcorp
Classification: Uncertain significance. Last evaluated: 2022-06-13. Review status: criteria provided, single submitter. Criteria: Invitae Variant Classification Sherloc (09022015). Collection method: clinical testing. Allele origin: germline.
Comment: This sequence change replaces proline, which is neutral and non-polar, with leucine, which is neutral and non-polar, at codon 308 of the HPS6 protein (p.Pro308Leu). This variant is not present in population databases (gnomAD no frequency). This variant has not been reported in the literature in individuals affected with HPS6-related conditions. Algorithms developed to predict the effect of missense changes on protein structure and function output the following: SIFT: "Tolerated"; PolyPhen-2: "Benign"; Align-GVGD: "Class C0". The leucine amino acid residue is found in multiple mammalian species, which suggests that this missense change does not adversely affect protein function. In summary, the available evidence is currently insufficient to determine the role of this variant in disease. Therefore, it has been classified as a Variant of Uncertain Significance.